The following is an entry in ClinVar:

NM_001379270.1(CNGA1):c.490T>C (p.Trp164Arg)

Genes: CNGA1 (cyclic nucleotide gated channel subunit alpha 1; minus strand), LOC101927157 (uncharacterized LOC101927157; plus strand). Cytogenetic location: 4p12.
Variant type: single nucleotide variant.
Coding change: c.490T>C on transcript NM_001379270.1 (MANE Select); coding-DNA position 490, T replaced by C.
Protein change: p.Trp164Arg; replaces tryptophan 164 with arginine.
Molecular consequence: missense variant.
Genome position (GRCh38, 1-based): chr4:47,942,096, A>G on the plus strand (T>C on the coding strand, the complement: CNGA1 is on the minus strand). VCF-style: chr4-47942096-A-G. GRCh37 (hg19) VCF-style: chr4-47944113-A-G.
Other names: c.490T>C, p.Trp164Arg (NM_000087.5, NM_001142564.2); c.502T>C (NM_000087.3); short protein forms W164R.
Identifiers: ClinVar variation 1486906 (VCV001486906.5), dbSNP rs1052230058, ClinGen allele CA96693093.

ClinVar aggregate classification (germline): Uncertain significance. Review status: criteria provided, multiple submitters, no conflicts (2 of 4 stars). 3 submissions from 3 submitters: Uncertain significance (3). Last evaluated 2022-09-01.

Conditions:
Inborn genetic diseases. Identifiers: MedGen C0950123, MeSH D030342.

Allele frequency attached by ClinVar (database versions not stated): gnomAD exomes below 0.00001; gnomAD 0.00001 and 0.00002; TOPMed 0.00002.
gnomAD v4.1: 4 of 1,613,950 alleles (0.00025%); highest among the groups gnomAD compares: African/African-American, 0.0053%; no homozygotes.

Submissions (3):

Blueprint Genetics
Classification: Uncertain significance. Last evaluated: 2022-09-01. Review status: criteria provided, single submitter. Criteria: ACMG Guidelines, 2015. Collection method: clinical testing. Allele origin: germline.

Labcorp Genetics (formerly Invitae), Labcorp
Classification: Uncertain significance. Last evaluated: 2022-05-17. Review status: criteria provided, single submitter. Criteria: Invitae Variant Classification Sherloc (09022015). Collection method: clinical testing. Allele origin: germline.
Comment: This sequence change replaces tryptophan, which is neutral and slightly polar, with arginine, which is basic and polar, at codon 168 of the CNGA1 protein (p.Trp168Arg). This variant is not present in population databases (gnomAD no frequency). This missense change has been observed in individual(s) with retinitis pigmentosa (Invitae). Algorithms developed to predict the effect of missense changes on protein structure and function are either unavailable or do not agree on the potential impact of this missense change (SIFT: "Deleterious"; PolyPhen-2: "Probably Damaging"; Align-GVGD: "Class C0"). In summary, the available evidence is currently insufficient to determine the role of this variant in disease. Therefore, it has been classified as a Variant of Uncertain Significance.

Ambry Genetics
Classification: Uncertain significance for Inborn genetic diseases. Last evaluated: 2022-02-17. Review status: criteria provided, single submitter. Criteria: Ambry Variant Classification Scheme 2023. Collection method: clinical testing. Allele origin: germline.